The following is an entry in ClinVar:

ClinVar aggregate classification (germline): Uncertain significance (1 of 4 stars; one submission).

Conditions:
Familial cold autoinflammatory syndrome 2 (FCAS2). Identifiers: Orphanet 247868, MedGen C2673198, MONDO:0012724, OMIM 611762.

Submission:

Labcorp Genetics (formerly Invitae), Labcorp
Classification: Uncertain significance for Familial cold autoinflammatory syndrome 2. Last evaluated: 2022-03-07. Review status: criteria provided, single submitter. Criteria: Invitae Variant Classification Sherloc (09022015). Collection method: clinical testing. Allele origin: germline.
Comment: This variant has not been reported in the literature in individuals affected with NLRP12-related conditions. Algorithms developed to predict the effect of missense changes on protein structure and function are either unavailable or do not agree on the potential impact of this missense change (SIFT: "Deleterious"; PolyPhen-2: "Probably Damaging"; Align-GVGD: "Class C0"). Algorithms developed to predict the effect of sequence changes on RNA splicing suggest that this variant may disrupt the consensus splice site. In summary, the available evidence is currently insufficient to determine the role of this variant in disease. Therefore, it has been classified as a Variant of Uncertain Significance. This sequence change replaces tryptophan, which is neutral and slightly polar, with cysteine, which is neutral and slightly polar, at codon 862 of the NLRP12 protein (p.Trp862Cys). This variant is not present in population databases (gnomAD no frequency).

NM_144687.4(NLRP12):c.2586G>C (p.Trp862Cys)

Gene: NLRP12 (NLR family pyrin domain containing 12; minus strand). Cytogenetic location: 19q13.42.
Variant type: single nucleotide variant.
Coding change: c.2586G>C on transcript NM_144687.4 (MANE Select); coding-DNA position 2586, G replaced by C.
Protein change: p.Trp862Cys; replaces tryptophan 862 with cysteine.
Molecular consequence: missense variant.
Genome position (GRCh38, 1-based): chr19:53,801,397, C>G on the plus strand (G>C on the coding strand, the complement: NLRP12 is on the minus strand). VCF-style: chr19-53801397-C-G. GRCh37 (hg19) VCF-style: chr19-54304651-C-G.
Other names: c.2589G>C, p.Trp863Cys (NM_001277126.2); c.2586G>C, p.Trp862Cys (NM_001277129.1); short protein forms W863C, W862C.
Identifiers: ClinVar variation 1516349 (VCV001516349.8), dbSNP rs1568662444, ClinGen allele CA407408834.